The following is an entry in ClinVar:

ClinVar aggregate classification (germline): Uncertain significance (1 of 4 stars; one submission).

Conditions:
Cardiovascular phenotype. Identifiers: MedGen CN230736.

Submission:

Ambry Genetics
Classification: Uncertain significance for Cardiovascular phenotype. Last evaluated: 2025-03-25. Review status: criteria provided, single submitter. Criteria: Ambry Variant Classification Scheme 2023. Collection method: clinical testing. Allele origin: germline.
Comment: The p.P36L variant (also known as c.107C>T), located in coding exon 2 of the SOS2 gene, results from a C to T substitution at nucleotide position 107. The proline at codon 36 is replaced by leucine, an amino acid with similar properties. This amino acid position is conserved. In addition, this alteration is predicted to be deleterious by in silico analysis. Based on the available evidence, the clinical significance of this variant remains unclear.

NM_006939.4(SOS2):c.107C>T (p.Pro36Leu)

Gene: SOS2 (SOS Ras/Rho guanine nucleotide exchange factor 2; minus strand). Cytogenetic location: 14q21.3.
Variant type: single nucleotide variant.
Coding change: c.107C>T on transcript NM_006939.4 (MANE Select); coding-DNA position 107, C replaced by T.
Protein change: p.Pro36Leu; replaces proline 36 with leucine.
Molecular consequence: missense variant.
Genome position (GRCh38, 1-based): chr14:50,204,390, G>A on the plus strand (C>T on the coding strand, the complement: SOS2 is on the minus strand). VCF-style: chr14-50204390-G-A. GRCh37 (hg19) VCF-style: chr14-50671108-G-A.
Other names: c.107C>T, p.Pro36Leu (NM_001411020.1); short protein forms P36L.
Identifiers: ClinVar variation 3959858 (VCV003959858.1).